The following is an entry in ClinVar:

ClinVar aggregate classification (germline): Uncertain significance (1 of 4 stars; one submission).

Allele frequency attached by ClinVar (database versions not stated): TOPMed below 0.00001; gnomAD 0.00001; gnomAD exomes 0.00001; ExAC 0.00002.
gnomAD v4.1: 18 of 1,614,098 alleles (0.0011%); highest among the groups gnomAD compares: South Asian, 0.013%; 1 homozygote.

Submission:

Mayo Clinic Laboratories, Mayo Clinic
Classification: Uncertain significance. Last evaluated: 2023-02-08. Review status: criteria provided, single submitter. Criteria: ACMG Guidelines, 2015. Collection method: clinical testing. Allele origin: germline. Observed: 1 variant allele.
Comment: BP4

NM_203447.4(DOCK8):c.5128C>G (p.Leu1710Val)

Gene: DOCK8 (dedicator of cytokinesis 8; plus strand). Cytogenetic location: 9p24.3.
Variant type: single nucleotide variant.
Coding change: c.5128C>G on transcript NM_203447.4 (MANE Select); coding-DNA position 5128, C replaced by G.
Protein change: p.Leu1710Val; replaces leucine 1710 with valine.
Molecular consequence: missense variant.
Genome position (GRCh38, 1-based): chr9:439,293, C>G. VCF-style: chr9-439293-C-G. GRCh37 (hg19) VCF-style: chr9-439293-C-G.
Other names: p.Leu1710Val; c.4828C>G, p.Leu1610Val (NM_001190458.2); c.4924C>G, p.Leu1642Val (NM_001193536.2); short protein forms L1610V, L1642V, L1710V.
Identifiers: ClinVar variation 2683034 (VCV002683034.1), dbSNP rs759116308, ClinGen allele CA4959316.